The following is an entry in ClinVar:

ClinVar aggregate classification (germline): Conflicting classifications of pathogenicity. Review status: criteria provided, conflicting classifications (1 of 4 stars). 4 submissions from 4 submitters: Uncertain significance (3); Likely benign (1). Last evaluated 2025-12-27.

Conditions:
ALPK3-related disorder. Also called: ALPK3-related condition.
Cardiovascular phenotype. Identifiers: MedGen CN230736.

Allele frequency attached by ClinVar (database versions not stated): gnomAD 0.00001; gnomAD exomes 0.00002; TOPMed 0.00003; ExAC 0.00004; ESP Exome Variant Server 0.00008.
gnomAD v4.1: 69 of 1,613,922 alleles (0.0043%); highest among the groups gnomAD compares: Non-Finnish European, 0.0051%; no homozygotes.

Submissions (4):

PreventionGenetics, part of Exact Sciences
Classification: Uncertain significance for ALPK3-related condition. Last evaluated: 2025-12-27. Review status: criteria provided, single submitter. Criteria: ACMG Guidelines, 2015. Collection method: clinical testing. Allele origin: germline.
Comment: The ALPK3 c.5074C>T variant is predicted to result in the amino acid substitution p.Arg1692Trp. To our knowledge, this variant has not been reported in the literature. This variant is reported in 0.0047% of alleles in individuals of European (Non-Finnish) descent in gnomAD. At this time, the clinical significance of this variant is uncertain due to the absence of conclusive functional and genetic evidence.

Labcorp Genetics (formerly Invitae), Labcorp
Classification: Uncertain significance. Last evaluated: 2025-12-23. Review status: criteria provided, single submitter. Criteria: Invitae Variant Classification Sherloc (09022015). Collection method: clinical testing. Allele origin: germline.
Comment: This sequence change replaces arginine, which is basic and polar, with tryptophan, which is neutral and slightly polar, at codon 1692 of the ALPK3 protein (p.Arg1692Trp). This variant is present in population databases (rs376691515, gnomAD 0.006%). This variant has not been reported in the literature in individuals affected with ALPK3-related conditions. ClinVar contains an entry for this variant (Variation ID: 1356704). Invitae Evidence Modeling of protein sequence and biophysical properties (such as structural, functional, and spatial information, amino acid conservation, physicochemical variation, residue mobility, and thermodynamic stability) indicates that this missense variant is expected to disrupt ALPK3 protein function with a positive predictive value of 80%. In summary, the available evidence is currently insufficient to determine the role of this variant in disease. Therefore, it has been classified as a Variant of Uncertain Significance.

Mayo Clinic Laboratories, Mayo Clinic
Classification: Uncertain significance. Last evaluated: 2025-08-29. Review status: criteria provided, single submitter. Criteria: ACMG Guidelines, 2015. Collection method: clinical testing. Allele origin: germline. Observed: 1 variant allele.
Comment: BP4, BP5_moderate, PM2_supporting

Ambry Genetics
Classification: Likely benign for Cardiovascular phenotype. Last evaluated: 2024-04-10. Review status: criteria provided, single submitter. Criteria: Ambry Variant Classification Scheme 2023. Collection method: clinical testing. Allele origin: germline.

NM_020778.5(ALPK3):c.4468C>T (p.Arg1490Trp)

Gene: ALPK3 (alpha kinase 3; plus strand). Cytogenetic location: 15q25.3.
Variant type: single nucleotide variant.
Coding change: c.4468C>T on transcript NM_020778.5 (MANE Select); coding-DNA position 4468, C replaced by T.
Protein change: p.Arg1490Trp; replaces arginine 1490 with tryptophan.
Molecular consequence: missense variant.
Genome position (GRCh38, 1-based): chr15:84,863,609, C>T. VCF-style: chr15-84863609-C-T. GRCh37 (hg19) VCF-style: chr15-85406840-C-T.
Other names: p.Arg1692Trp; short protein forms R1490W.
Identifiers: ClinVar variation 1356704 (VCV001356704.13), dbSNP rs376691515, ClinGen allele CA7709976.
Genomic context (GRCh38, chr15:84,863,609, plus strand): 5'-CAGGGGTGCAAGATCCAGAACATGAGTCGGGAGTACTGCAAAATCTTCGCAGCAGAAGCC[C>T]GGGCCGCGCCTGGCTTTGGGGAGGTGCCTGAGTAAGTACGCAGCGAGGAGGACGTGCAGT-3'
Protein context (NP_065829.4, residues 1480-1500): EYCKIFAAEA[Arg1490Trp]AAPGFGEVPE